The following is an entry in ClinVar:

ClinVar aggregate classification (germline): Uncertain significance (1 of 4 stars; one submission).

Conditions:
Hereditary cancer-predisposing syndrome. Also called: Neoplastic Syndromes, Hereditary; Tumor predisposition; Hereditary Cancer Syndrome; Hereditary neoplastic syndrome. Identifiers: Orphanet 140162, MedGen C0027672, MeSH D009386, MONDO:0015356.

Submission:

Ambry Genetics
Classification: Uncertain significance for Hereditary cancer-predisposing syndrome. Last evaluated: 2025-11-20. Review status: criteria provided, single submitter. Criteria: Ambry Variant Classification Scheme 2023. Collection method: clinical testing. Allele origin: germline.
Comment: The c.-5C>T variant is located in the 5' untranslated region (5&rsquo; UTR) of the CDH1 gene. This variant results from a C to T substitution 5 bases upstream from the first translated codon. This nucleotide position is well conserved in available vertebrate species. Based on the available evidence, the clinical significance of this variant remains unclear.

NM_004360.5(CDH1):c.-5C>T

Gene: CDH1 (cadherin 1; plus strand). Cytogenetic location: 16q22.1.
Variant type: single nucleotide variant.
Coding change: c.-5C>T on transcript NM_004360.5 (MANE Select); 5 bases upstream of the start codon, C replaced by T.
Molecular consequence: 5 prime UTR variant.
Genome position (GRCh38, 1-based): chr16:68,737,411, C>T. VCF-style: chr16-68737411-C-T. GRCh37 (hg19) VCF-style: chr16-68771314-C-T.
Other names: c.-5C>T (NM_001317184.2); c.-1620C>T (NM_001317185.2); c.-1824C>T (NM_001317186.2).
Identifiers: ClinVar variation 4631761 (VCV004631761.1).
Genomic context (GRCh38, chr16:68,737,411, plus strand): 5'-CGCTCCAGCCCGGCCCGACCCGACCGCACCCGGCGCCTGCCCTCGCTCGGCGTCCCCGGC[C>T]AGCCATGGGCCCTTGGAGCCGCAGCCTCTCGGCGCTGCTGCTGCTGCTGCAGGTACCCCG-3'